The following is an entry in ClinVar:

NM_001006658.3(CR2):c.2625C>A (p.Cys875Ter)

Gene: CR2 (complement C3d receptor 2; plus strand). Cytogenetic location: 1q32.2.
Variant type: single nucleotide variant.
Coding change: c.2625C>A on transcript NM_001006658.3 (MANE Select); coding-DNA position 2625, C replaced by A.
Protein change: p.Cys875Ter; replaces cysteine 875 with a stop codon.
Molecular consequence: nonsense.
Genome position (GRCh38, 1-based): chr1:207,475,125, C>A. VCF-style: chr1-207475125-C-A. GRCh37 (hg19) VCF-style: chr1-207648470-C-A.
Other names: c.2625C>A (NM_001006658.2); c.2448C>A, p.Cys816Ter (NM_001877.5); short protein forms C816*, C875*.
Identifiers: ClinVar variation 1014102 (VCV001014102.9), dbSNP rs751868289, ClinGen allele CA1369015.

ClinVar aggregate classification (germline): Conflicting classifications of pathogenicity. Review status: criteria provided, conflicting classifications (1 of 4 stars). 4 submissions from 4 submitters: Pathogenic (1); Likely pathogenic (2); Uncertain significance (1). Last evaluated 2025-06-14.

Conditions:
Immunodeficiency, common variable, 7. Identifiers: Orphanet 1572, Orphanet 696894, MedGen C3542922, MONDO:0013862, OMIM 614699.
CR2-related disorder. Also called: CR2-related disorders; CR2-related condition.

Allele frequency attached by ClinVar (database versions not stated): ExAC 0.00001; gnomAD 0.00003; TOPMed 0.00003.
gnomAD v4.1: 101 of 1,612,178 alleles (0.0063%); highest among the groups gnomAD compares: Non-Finnish European, 0.0084%; no homozygotes.

Submissions (4):

Labcorp Genetics (formerly Invitae), Labcorp
Classification: Pathogenic for Immunodeficiency, common variable, 7. Last evaluated: 2025-06-14. Review status: criteria provided, single submitter. Criteria: Invitae Variant Classification Sherloc (09022015). Collection method: clinical testing. Allele origin: germline.
Comment: This sequence change creates a premature translational stop signal (p.Cys875*) in the CR2 gene. It is expected to result in an absent or disrupted protein product. Loss-of-function variants in CR2 are known to be pathogenic (PMID: 26325596, 28499783). This variant is present in population databases (rs751868289, gnomAD 0.002%). This variant has not been reported in the literature in individuals affected with CR2-related conditions. ClinVar contains an entry for this variant (Variation ID: 1014102). Algorithms developed to predict the effect of sequence changes on RNA splicing suggest that this variant may disrupt the consensus splice site. For these reasons, this variant has been classified as Pathogenic.

PreventionGenetics, part of Exact Sciences
Classification: Likely pathogenic for CR2-related condition. Last evaluated: 2023-07-31. Review status: criteria provided, single submitter. Criteria: ACMG Guidelines, 2015. Collection method: clinical testing. Allele origin: germline.
Comment: The CR2 c.2625C>A variant is predicted to result in premature protein termination (p.Cys875*). To our knowledge, this variant has not been reported in the literature. This variant is reported in 0.0023% of alleles in individuals of European (Non-Finnish) descent in gnomAD. Nonsense variants in CR2 are expected to be pathogenic. This variant is interpreted as likely pathogenic.

Genome-Nilou Lab
Classification: Likely pathogenic for Immunodeficiency, common variable, 7. Last evaluated: 2023-04-11. Review status: criteria provided, single submitter. Criteria: ACMG Guidelines, 2015. Collection method: clinical testing. Allele origin: germline. Affected: no.

Department of Pathology and Laboratory Medicine, Sinai Health System
Classification: Uncertain significance for immunodeficiency, common variable, 7. Last evaluated: 2022-12-31. Review status: criteria provided, single submitter. Criteria: ACMG Guidelines, 2015. Collection method: research. Allele origin: germline.

Literature cited by the submitters: PubMed 26325596 (cited by Labcorp Genetics (formerly Invitae), Labcorp); PubMed 28499783 (cited by Labcorp Genetics (formerly Invitae), Labcorp).